The following is an entry in ClinVar:

ClinVar aggregate classification (germline): Likely pathogenic (1 of 4 stars; one submission).

Conditions:
Developmental and epileptic encephalopathy, 33 (DEE33). Also called: Epileptic encephalopathy, early infantile, 33. Identifiers: Orphanet 442835, MedGen C4225337, MONDO:0014625, OMIM 616409.

Submission:

Labcorp Genetics (formerly Invitae), Labcorp
Classification: Likely pathogenic for Developmental and epileptic encephalopathy, 33. Last evaluated: 2017-11-27. Review status: criteria provided, single submitter. Criteria: Invitae Variant Classification Sherloc (09022015). Collection method: clinical testing. Allele origin: germline.
Comment: This variant is not present in population databases (ExAC no frequency). In summary, the currently available evidence indicates that the variant is pathogenic, but additional data are needed to prove that conclusively. Therefore, this variant has been classified as Likely Pathogenic. Algorithms developed to predict the effect of missense changes on protein structure and function (SIFT, PolyPhen-2, Align-GVGD) all suggest that this variant is likely to be disruptive, but these predictions have not been confirmed by published functional studies and their clinical significance is uncertain. This sequence change replaces glutamic acid with glycine at codon 288 of the EEF1A2 protein (p.Glu288Gly). The glutamic acid residue is highly conserved and there is a moderate physicochemical difference between glutamic acid and glycine.

NM_001958.5(EEF1A2):c.863A>G (p.Glu288Gly)

Gene: EEF1A2 (eukaryotic translation elongation factor 1 alpha 2; minus strand). Cytogenetic location: 20q13.33.
Variant type: single nucleotide variant.
Coding change: c.863A>G on transcript NM_001958.5 (MANE Select); coding-DNA position 863, A replaced by G.
Protein change: p.Glu288Gly; replaces glutamic acid 288 with glycine.
Molecular consequence: missense variant.
Genome position (GRCh38, 1-based): chr20:63,490,645, T>C on the plus strand (A>G on the coding strand, the complement: EEF1A2 is on the minus strand). VCF-style: chr20-63490645-T-C. GRCh37 (hg19) VCF-style: chr20-62121998-T-C.
Other names: short protein forms E288G.
Identifiers: ClinVar variation 567537 (VCV000567537.9), dbSNP rs1555883501, ClinGen allele CA409647821.
Genomic context (GRCh38, chr20:63,490,645, plus strand): 5'-ACGTTGTCGCCGGGCAGAGCTTCGCTCAGAGCCTCGTGGTGCATCTCCACTGACTTCACC[T>C]CAGTGGTGATGTTCACTGGCGCAAAGGTCACCACCATGCCCGGCCGCAGGATGCCGGTCT-3'
Protein context (NP_001949.1, residues 278-298): VTFAPVNITT[Glu288Gly]VKSVEMHHEA